The following is an entry in ClinVar:

ClinVar aggregate classification (germline): Uncertain significance (1 of 4 stars; one submission).

gnomAD v4.1: 1 of 1,550,182 alleles (0.000065%); highest among the groups gnomAD compares: East Asian, 0.0023%; no homozygotes.

Submission:

Women's Health and Genetics/Laboratory Corporation of America, LabCorp
Classification: Uncertain significance. Last evaluated: 2023-06-26. Review status: criteria provided, single submitter. Criteria: LabCorp Variant Classification Summary - May 2015. Collection method: clinical testing. Allele origin: germline.
Comment: Variant summary: WASF1 c.540+16A>T alters a non-conserved nucleotide located close to a canonical splice site and therefore could affect mRNA splicing, leading to a significantly altered protein sequence. 4/4 computational tools predict no significant impact on normal splicing. However, these predictions have yet to be confirmed by functional studies. The variant was absent in 224794 control chromosomes (gnomAD). The available data on variant occurrences in the general population are insufficient to allow any conclusion about variant significance. To our knowledge, no occurrence of c.540+16A>T in individuals affected with Neurodevelopmental Disorder With Absent Language And Variable Seizures and no experimental evidence demonstrating its impact on protein function have been reported. No submitters have cited clinical-significance assessments for this variant to ClinVar after 2014. Based on the evidence outlined above, the variant was classified as uncertain significance.

NM_003931.3(WASF1):c.540+16A>T

Gene: WASF1 (WASP family member 1; minus strand). Cytogenetic location: 6q21.
Variant type: single nucleotide variant.
Coding change: c.540+16A>T on transcript NM_003931.3 (MANE Select); 16 bases into the intron after coding-DNA position 540, A replaced by T.
Molecular consequence: intron variant.
Genome position (GRCh38, 1-based): chr6:110,107,061, T>A on the plus strand (A>T on the coding strand, the complement: WASF1 is on the minus strand). VCF-style: chr6-110107061-T-A. GRCh37 (hg19) VCF-style: chr6-110428264-T-A.
Other names: c.540+16A>T (NM_001024936.2, NM_001024935.2, NM_001024934.2).
Identifiers: ClinVar variation 2573513 (VCV002573513.1), dbSNP rs917672830, ClinGen allele CA145794128.